The following is an entry in ClinVar:

ClinVar aggregate classification (germline): Likely benign (1 of 4 stars; one submission).

gnomAD v4.1: 3 of 1,614,112 alleles (0.00019%); highest among the groups gnomAD compares: Non-Finnish European, 0.00017%; no homozygotes.

Submission:

CeGaT Center for Human Genetics Tuebingen
Classification: Likely benign. Last evaluated: 2022-07-01. Review status: criteria provided, single submitter. Criteria: CeGaT Center For Human Genetics Tuebingen Variant Classification Criteria Version 2. Collection method: clinical testing. Allele origin: germline. Affected: yes. Observed: 1 variant allele.
Comment: WNK1: BP4

NM_018979.4(WNK1):c.4354A>C (p.Thr1452Pro)

Gene: WNK1 (WNK lysine deficient protein kinase 1; plus strand). Cytogenetic location: 12p13.33.
Variant type: single nucleotide variant.
Coding change: c.4354A>C on transcript NM_018979.4 (MANE Select); coding-DNA position 4354, A replaced by C.
Protein change: p.Thr1452Pro; replaces threonine 1452 with proline.
Molecular consequence: missense variant.
Genome position (GRCh38, 1-based): chr12:885,158, A>C. VCF-style: chr12-885158-A-C. GRCh37 (hg19) VCF-style: chr12-994324-A-C.
Other names: c.5134A>C, p.Thr1712Pro (NM_001184985.2); c.3613A>C, p.Thr1205Pro (NM_014823.3); c.5110A>C, p.Thr1704Pro (NM_213655.5); short protein forms T1205P, T1452P, T1704P, T1712P.
Identifiers: ClinVar variation 2642568 (VCV002642568.24), dbSNP rs142543401, ClinGen allele CA383331061.
Genomic context (GRCh38, chr12:885,158, plus strand): 5'-CAAGTCCCCACATCCACATCTGAGATCGTTGTTTCTAGTACAGCACTGTATCCTTCAGTA[A>C]CAGTTTCAGCAACTTCAGCCTCTGCAGGGGGCAGTACTGCTACCCCAGGTCCTAAGCCTC-3'
Protein context (NP_061852.3, residues 1442-1462): VSSTALYPSV[Thr1452Pro]VSATSASAGG